The following is an entry in ClinVar:

ClinVar aggregate classification (germline): Conflicting classifications of pathogenicity. Review status: criteria provided, conflicting classifications (1 of 4 stars). 6 submissions from 6 submitters: Uncertain significance (2); Likely benign (3). 1 of the submissions does not count toward it. Last evaluated 2026-01-28.

Conditions:
INPP5E-related disorder. Also called: INPP5E-related condition.
Joubert syndrome 1 (JBTS1). Also called: CEREBELLOPARENCHYMAL DISORDER IV; Cerebellooculorenal syndrome 1. Identifiers: MedGen C4551568, MONDO:0008944, OMIM 213300.
Joubert syndrome. Also called: JOUBERT-BOLTSHAUSER SYNDROME; Familial aplasia of the vermis. Identifiers: Orphanet 475, MedGen C5979921, MONDO:0018772.

Allele frequency attached by ClinVar (database versions not stated): TOPMed 0.00014; ExAC 0.00016; gnomAD 0.00029.
gnomAD v4.1: 229 of 1,613,526 alleles (0.014%); highest among the groups gnomAD compares: Non-Finnish European, 0.017%; no homozygotes.

Submissions (6):

Labcorp Genetics (formerly Invitae), Labcorp
Classification: Likely benign for Joubert syndrome. Last evaluated: 2026-01-28. Review status: criteria provided, single submitter. Criteria: Invitae Variant Classification Sherloc (09022015). Collection method: clinical testing. Allele origin: germline.

Blueprint Genetics
Classification: Likely benign. Last evaluated: 2024-11-15. Review status: criteria provided, single submitter. Criteria: ACMG Guidelines, 2015. Collection method: clinical testing. Allele origin: germline.

CeGaT Center for Human Genetics Tuebingen
Classification: Likely benign. Last evaluated: 2022-07-01. Review status: criteria provided, single submitter. Criteria: CeGaT Center For Human Genetics Tuebingen Variant Classification Criteria Version 2. Collection method: clinical testing. Allele origin: germline. Affected: yes. Observed: 1 variant allele.
Comment: INPP5E: BP4, BP7

Illumina Laboratory Services, Illumina
Classification: Uncertain significance for Joubert syndrome 1. Last evaluated: 2018-01-12. Review status: criteria provided, single submitter. Criteria: ICSL Variant Classification Criteria 13 December 2019. Collection method: clinical testing. Allele origin: germline.

Genetic Services Laboratory, University of Chicago
Classification: Uncertain significance. Last evaluated: 2014-06-27. Review status: criteria provided, single submitter. Criteria: ACMG Guidelines, 2015. Collection method: clinical testing. Allele origin: germline.

PreventionGenetics, part of Exact Sciences
Classification: Uncertain significance for INPP5E-related condition. Last evaluated: 2024-09-24. Review status: no assertion criteria provided. Collection method: clinical testing. Allele origin: germline. Not counted in ClinVar's aggregate classification.
Comment: The INPP5E c.1191C>T variant is not predicted to result in an amino acid change (p.=). This variant is predicted to impact splicing based on splicing prediction programs (SpliceAI, Jaganathan et al. 2019. PubMed ID: 30661751). To our knowledge, this variant has not been reported in the literature. This variant is reported in 0.024% of alleles in individuals of European (Non-Finnish) descent in gnomAD. At this time, the clinical significance of this variant is uncertain due to the absence of conclusive functional and genetic evidence.

NM_019892.6(INPP5E):c.1191C>T (p.Ile397=)

Gene: INPP5E (inositol polyphosphate-5-phosphatase E; minus strand). Cytogenetic location: 9q34.3.
Variant type: single nucleotide variant.
Coding change: c.1191C>T on transcript NM_019892.6 (MANE Select); coding-DNA position 1191, C replaced by T.
Protein change: p.Ile397=; no amino-acid change (isoleucine 397 retained).
Molecular consequence: synonymous variant.
Genome position (GRCh38, 1-based): chr9:136,433,044, G>A on the plus strand (C>T on the coding strand, the complement: INPP5E is on the minus strand). VCF-style: chr9-136433044-G-A. GRCh37 (hg19) VCF-style: chr9-139327496-G-A.
Other names: c.1191C>T, p.Ile397= (NM_001318502.2); c.1191C>T (NM_019892.5).
Identifiers: ClinVar variation 211183 (VCV000211183.46), dbSNP rs558778286, ClinGen allele CA205994.